The following is an entry in ClinVar:

ClinVar aggregate classification (germline): Uncertain significance. Review status: criteria provided, multiple submitters, no conflicts (2 of 4 stars). 2 submissions from 2 submitters: Uncertain significance (2). Last evaluated 2025-07-20.

Allele frequency attached by ClinVar (database versions not stated): gnomAD 0.00001; TOPMed 0.00002.
gnomAD v4.1: 23 of 1,563,916 alleles (0.0015%); highest among the groups gnomAD compares: Middle Eastern, 0.035%; no homozygotes.

Submissions (2):

Labcorp Genetics (formerly Invitae), Labcorp
Classification: Uncertain significance. Last evaluated: 2025-07-20. Review status: criteria provided, single submitter. Criteria: Invitae Variant Classification Sherloc (09022015). Collection method: clinical testing. Allele origin: germline.
Comment: This sequence change replaces glycine, which is neutral and non-polar, with arginine, which is basic and polar, at codon 81 of the LONP1 protein (p.Gly81Arg). This variant is present in population databases (rs751508398, gnomAD 0.008%). This variant has not been reported in the literature in individuals affected with LONP1-related conditions. ClinVar contains an entry for this variant (Variation ID: 423918). Invitae Evidence Modeling of protein sequence and biophysical properties (such as structural, functional, and spatial information, amino acid conservation, physicochemical variation, residue mobility, and thermodynamic stability) indicates that this missense variant is not expected to disrupt LONP1 protein function with a negative predictive value of 95%. In summary, the available evidence is currently insufficient to determine the role of this variant in disease. Therefore, it has been classified as a Variant of Uncertain Significance.

GeneDx
Classification: Uncertain significance. Last evaluated: 2017-03-07. Review status: criteria provided, single submitter. Criteria: GeneDx Variant Classification (06012015). Collection method: clinical testing. Allele origin: germline. Affected: yes.
Comment: The G81R variant in the LONP1 gene has not been reported previously as a pathogenic variant, nor as a benign variant, to our knowledge. The G81R variant is not observed at a significant frequency in large population cohorts (Lek et al., 2016; 1000 Genomes Consortium et al., 2015; Exome Variant Server). The G81R variant is a non-conservative amino acid substitution, which is likely to impact secondary protein structure as these residues differ in polarity, charge, size and/or other properties. This substitution occurs at a position that is conserved across species. In silico analysis is inconsistent in its predictions as to whether or not the variant is damaging to the protein structure/function. We interpret G81R as a variant of uncertain significance.

NM_004793.4(LONP1):c.241G>A (p.Gly81Arg)

Gene: LONP1 (lon peptidase 1, mitochondrial; minus strand). Cytogenetic location: 19p13.3.
Variant type: single nucleotide variant.
Coding change: c.241G>A on transcript NM_004793.4 (MANE Select); coding-DNA position 241, G replaced by A.
Protein change: p.Gly81Arg; replaces glycine 81 with arginine.
Molecular consequence: missense variant. On other transcripts: intron variant (2).
Genome position (GRCh38, 1-based): chr19:5,719,892, C>T on the plus strand (G>A on the coding strand, the complement: LONP1 is on the minus strand). VCF-style: chr19-5719892-C-T. GRCh37 (hg19) VCF-style: chr19-5719903-C-T.
Other names: c.-160+327G>A (NM_001276480.1); c.125-76G>A (NM_001276479.2); short protein forms G81R.
Identifiers: ClinVar variation 423918 (VCV000423918.3), dbSNP rs751508398, ClinGen allele CA9115205.